The following is an entry in ClinVar:

NM_012154.5(AGO2):c.2489C>T (p.Thr830Ile)

Gene: AGO2 (argonaute RISC catalytic component 2; minus strand). Cytogenetic location: 8q24.3.
Variant type: single nucleotide variant.
Coding change: c.2489C>T on transcript NM_012154.5 (MANE Select); coding-DNA position 2489, C replaced by T.
Protein change: p.Thr830Ile; replaces threonine 830 with isoleucine.
Molecular consequence: missense variant.
Genome position (GRCh38, 1-based): chr8:140,532,135, G>A on the plus strand (C>T on the coding strand, the complement: AGO2 is on the minus strand). VCF-style: chr8-140532135-G-A. GRCh37 (hg19) VCF-style: chr8-141542234-G-A.
Other names: c.2387C>T, p.Thr796Ile (NM_001164623.3); short protein forms T796I, T830I.
Identifiers: ClinVar variation 5008967 (VCV005008967.1).

ClinVar aggregate classification (germline): Uncertain significance (1 of 4 stars; one submission).

gnomAD v4.1: 1 of 1,614,140 alleles (0.000062%); highest among the groups gnomAD compares: Non-Finnish European, 0.000085%; no homozygotes.

Submission:

GeneDx
Classification: Uncertain significance. Last evaluated: 2026-03-10. Review status: criteria provided, single submitter. Criteria: GeneDx Variant Classification Process June 2021. Collection method: clinical testing. Allele origin: germline.
Comment: Not observed at significant frequency in large population cohorts (gnomAD); In silico analysis suggests that this missense variant does not alter protein structure/function; Has not been previously published as pathogenic or benign to our knowledge